The following is an entry in ClinVar:

ClinVar aggregate classification (germline): Benign. Review status: criteria provided, single submitter (1 of 4 stars). 2 submissions from 1 submitter: Benign (2). Last evaluated 2018-01-12.

Conditions:
Hypophosphatemic rickets, autosomal recessive, 2 (ARHR2). Identifiers: Orphanet 289176, MedGen C2750078, MONDO:0013219, OMIM 613312.
Arterial calcification, generalized, of infancy, 1 (GACI1). Also called: Idiopathic Infantile Arterial Calcification. Identifiers: Orphanet 51608, MedGen C4551985, MONDO:0008817, OMIM 208000.

Allele frequency attached by ClinVar (database versions not stated): gnomAD exomes 0.02778; 1000 Genomes Project 0.11661; 1000 Genomes Project 30x 0.12242; TOPMed 0.13079.
gnomAD v4.1: 17,769 of 152,192 alleles (12%); highest among the groups gnomAD compares: African/African-American, 30%; 1,946 homozygotes.

Submissions (2):

Illumina Laboratory Services, Illumina
Classification: Benign for Arterial calcification, generalized, of infancy, 1. Last evaluated: 2018-01-12. Review status: criteria provided, single submitter. Criteria: ICSL Variant Classification Criteria 13 December 2019. Collection method: clinical testing. Allele origin: germline.
Comment: This variant was observed in the ICSL laboratory as part of a predisposition screen in an ostensibly healthy population. It had not been previously curated by ICSL or reported in the Human Gene Mutation Database (HGMD: prior to June 1st, 2018), and was therefore a candidate for classification through an automated scoring system. Utilizing variant allele frequency, disease prevalence and penetrance estimates, and inheritance mode, an automated score was calculated to assess if this variant is too frequent to cause the disease. Based on the score and internal cut-off values, a variant classified as benign is not then subjected to further curation. The score for this variant resulted in a classification of benign for this disease.

Illumina Laboratory Services, Illumina
Classification: Benign for Hypophosphatemic rickets, autosomal recessive, 2. Last evaluated: 2018-01-12. Review status: criteria provided, single submitter. Criteria: ICSL Variant Classification Criteria 13 December 2019. Collection method: clinical testing. Allele origin: germline.
Comment: the same text as in the submission from Illumina Laboratory Services, Illumina above.

NM_006208.3(ENPP1):c.*772A>T

Gene: ENPP1 (ectonucleotide pyrophosphatase/phosphodiesterase 1; plus strand). Cytogenetic location: 6q23.2.
Variant type: single nucleotide variant.
Coding change: c.*772A>T on transcript NM_006208.3 (MANE Select); 772 bases downstream of the stop codon, A replaced by T.
Molecular consequence: 3 prime UTR variant.
Genome position (GRCh38, 1-based): chr6:131,891,283, A>T. VCF-style: chr6-131891283-A-T. GRCh37 (hg19) VCF-style: chr6-132212423-A-T.
Identifiers: ClinVar variation 355372 (VCV000355372.5), dbSNP rs34608785, ClinGen allele CA10625951.